The following is an entry in ClinVar:

NM_001042603.3(KDM5A):c.4330C>G (p.Gln1444Glu)

Gene: KDM5A (lysine demethylase 5A; minus strand). Cytogenetic location: 12p13.33.
Variant type: single nucleotide variant.
Coding change: c.4330C>G on transcript NM_001042603.3 (MANE Select); coding-DNA position 4330, C replaced by G.
Protein change: p.Gln1444Glu; replaces glutamine 1444 with glutamic acid.
Molecular consequence: missense variant.
Genome position (GRCh38, 1-based): chr12:295,698, G>C on the plus strand (C>G on the coding strand, the complement: KDM5A is on the minus strand). VCF-style: chr12-295698-G-C. GRCh37 (hg19) VCF-style: chr12-404864-G-C.
Other names: short protein forms Q1444E.
Identifiers: ClinVar variation 3765687 (VCV003765687.1).

ClinVar aggregate classification (germline): Uncertain significance (1 of 4 stars; one submission).

Submission:

Greenwood Genetic Center Diagnostic Laboratories, Greenwood Genetic Center
Classification: Uncertain significance. Last evaluated: 2024-10-03. Review status: criteria provided, single submitter. Criteria: ACMG Guidelines, 2015. Collection method: clinical testing. Allele origin: germline. Affected: yes.
Comment: PM2, PP2